The following is an entry in ClinVar:

NM_000548.5(TSC2):c.1477C>G (p.Leu493Val)

Gene: TSC2 (TSC complex subunit 2; plus strand). Cytogenetic location: 16p13.3.
Variant type: single nucleotide variant.
Coding change: c.1477C>G on transcript NM_000548.5 (MANE Select); coding-DNA position 1477, C replaced by G.
Protein change: p.Leu493Val; replaces leucine 493 with valine.
Molecular consequence: missense variant.
Genome position (GRCh38, 1-based): chr16:2,064,305, C>G. VCF-style: chr16-2064305-C-G. GRCh37 (hg19) VCF-style: chr16-2114306-C-G.
Other names: c.1477C>G, p.Leu493Val (NM_001077183.3, NM_001114382.3, NM_001363528.2 and 3 more transcripts); c.1366C>G, p.Leu456Val (NM_001318827.2); c.1330C>G, p.Leu444Val (NM_001318829.2); c.877C>G, p.Leu293Val (NM_001318831.2); c.1510C>G, p.Leu504Val (NM_001318832.2); short protein forms L493V, L444V, L456V, L504V, L293V.
Identifiers: ClinVar variation 49161 (VCV000049161.11), dbSNP rs45517177, ClinGen allele CA014935.

ClinVar aggregate classification (germline): Likely pathogenic. Review status: criteria provided, multiple submitters, no conflicts (2 of 4 stars). 3 submissions from 3 submitters: Likely pathogenic (2). 1 of the submissions does not count toward it. Last evaluated 2023-02-01.

Conditions:
Tuberous sclerosis 2 (TSC2). Identifiers: Orphanet 805, MedGen C1860707, MONDO:0013199, OMIM 613254.
Hereditary cancer-predisposing syndrome. Also called: Neoplastic Syndromes, Hereditary; Tumor predisposition; Hereditary Cancer Syndrome; Hereditary neoplastic syndrome. Identifiers: Orphanet 140162, MedGen C0027672, MeSH D009386, MONDO:0015356.
Tuberous sclerosis syndrome (TSC). Also called: Tuberous Sclerosis Complex; Tuberous sclerosis. Identifiers: Orphanet 805, MedGen C0041341, MONDO:0001734.

Submissions (3):

Ambry Genetics
Classification: Likely pathogenic for Hereditary cancer-predisposing syndrome. Last evaluated: 2023-02-01. Review status: criteria provided, single submitter. Criteria: Ambry Variant Classification Scheme 2023. Collection method: clinical testing. Allele origin: germline.
Comment: The p.L493V variant (also known as c.1477C>G), located in coding exon 14 of the TSC2 gene, results from a C to G substitution at nucleotide position 1477. The leucine at codon 493 is replaced by valine, an amino acid with highly similar properties. This alteration has been observed in individuals with a personal and/or family history that is consistent with TSC2-related disease (Ambry internal data; Dufner Almeida LG et al. Hum Mutat, 2020 Apr;41:759-773; Papadopoulou A et al. Eur J Paediatr Neurol, 2018 May;22:419-426; Langkau N et al. Eur J Pediatr, 2002 Jul;161:393-402). This amino acid position is highly conserved in available vertebrate species. In addition, this alteration is predicted to be deleterious by in silico analysis. In one functional study, this alteration was found to have an intermediate impact on TSC1-TSC2 dependent inhibition of TORC1 compared to wild type (Hoogeveen-Westerveld M et al. Hum Mutat, 2013 Jan;34:167-75). This nucleotide position is highly conserved in available vertebrate species. In silico splice site analysis predicts that this alteration may weaken the native splice acceptor site. RNA studies showed this alteration to result in an alternate acceptor gain resulting in the deletion of 11 amino acids which functionally impaired TORC1 inhibition (Dufner Almeida LG et al. Hum Mutat, 2020 Apr;41:759-773). This variant is considered to be rare based on population cohorts in the Genome Aggregation Database (gnomAD). Based on the majority of available evidence to date, this variant is likely to be pathogenic.

Labcorp Genetics (formerly Invitae), Labcorp
Classification: Likely pathogenic for Tuberous sclerosis 2. Last evaluated: 2020-02-10. Review status: criteria provided, single submitter. Criteria: Invitae Variant Classification Sherloc (09022015). Collection method: clinical testing. Allele origin: germline.
Comment: This sequence change replaces leucine with valine at codon 493 of the TSC2 protein (p.Leu493Val). The leucine residue is highly conserved and there is a small physicochemical difference between leucine and valine. In summary, the currently available evidence indicates that the variant is pathogenic, but additional data are needed to prove that conclusively. Therefore, this variant has been classified as Likely Pathogenic. Algorithms developed to predict the effect of sequence changes on RNA splicing suggest that this variant may create or strengthen a splice site, but this prediction has not been confirmed by published transcriptional studies. This variant has been reported to affect TSC2 protein function (PMID: 22903760). This variant has been observed in individual(s) with clinical features of tuberous sclerosis complex (PMID: 12111193, 29500070, Invitae). In at least one individual the variant was observed to be de novo. ClinVar contains an entry for this variant (Variation ID: 49161). This variant is not present in population databases (ExAC no frequency).

Tuberous sclerosis database (TSC2)
No classification provided. Condition: TSC. Review status: no classification provided. Criteria: Tuberous Sclerosis Database Assertion Criteria 2015. Collection method: curation. Allele origin: germline. Affected: yes. Not counted in ClinVar's aggregate classification.

Literature cited by the submitters: PubMed 12111193 (cited by Ambry Genetics and Labcorp Genetics (formerly Invitae), Labcorp); PubMed 22903760 (cited by Ambry Genetics and Labcorp Genetics (formerly Invitae), Labcorp); PubMed 29500070 (cited by Ambry Genetics and Labcorp Genetics (formerly Invitae), Labcorp); PubMed 31799751 (cited by Ambry Genetics).